The following is an entry in ClinVar:

NM_004463.3(FGD1):c.2017A>G (p.Thr673Ala)

Gene: FGD1 (FYVE, RhoGEF and PH domain containing 1; minus strand). Cytogenetic location: Xp11.22.
Variant type: single nucleotide variant.
Coding change: c.2017A>G on transcript NM_004463.3 (MANE Select); coding-DNA position 2017, A replaced by G.
Protein change: p.Thr673Ala; replaces threonine 673 with alanine.
Molecular consequence: missense variant.
Genome position (GRCh38, 1-based): chrX:54,450,300, T>C on the plus strand (A>G on the coding strand, the complement: FGD1 is on the minus strand). VCF-style: chrX-54450300-T-C. GRCh37 (hg19) VCF-style: chrX-54476733-T-C.
Other names: short protein forms T673A.
Identifiers: ClinVar variation 1031428 (VCV001031428.1), dbSNP rs1922347865, ClinGen allele CA413359697.

ClinVar aggregate classification (germline): Likely pathogenic (1 of 4 stars; one submission).

Conditions:
Aarskog syndrome (AAS). Also called: Aarskog Scott syndrome; Aarskog disease; Aarskog-Scott syndrome, X-linked; FGD1-Related Faciogenital Dysplasia (Aarskog-Scott Syndrome); FGDY. Identifiers: Orphanet 915, MedGen C0175701, MONDO:0010589, OMIM 305400.

Submission:

Baylor Genetics
Classification: Likely pathogenic for Aarskog syndrome. Last evaluated: 2018-10-18. Review status: criteria provided, single submitter. Criteria: ACMG Guidelines, 2015. Collection method: clinical testing. Allele origin: de novo. Affected: yes.
Comment: This variant was determined to be likely pathogenic according to ACMG Guidelines, 2015 [PMID:25741868].